The following is an entry in ClinVar:

NM_001321967.2(ATAD1):c.160C>G (p.Gln54Glu)

Gene: ATAD1 (ATPase family AAA domain containing 1; minus strand). Cytogenetic location: 10q23.31.
Variant type: single nucleotide variant.
Coding change: c.160C>G on transcript NM_001321967.2 (MANE Select); coding-DNA position 160, C replaced by G.
Protein change: p.Gln54Glu; replaces glutamine 54 with glutamic acid.
Molecular consequence: missense variant. On other transcripts: 5 prime UTR variant (1), non-coding transcript variant (1).
Genome position (GRCh38, 1-based): chr10:87,814,440, G>C on the plus strand (C>G on the coding strand, the complement: ATAD1 is on the minus strand). VCF-style: chr10-87814440-G-C. GRCh37 (hg19) VCF-style: chr10-89574197-G-C.
Other names: c.160C>G, p.Gln54Glu (NM_001321968.2, NM_032810.4); c.-288C>G (NM_001321969.2); c.160C>G (NM_032810.3); short protein forms Q54E.
Identifiers: ClinVar variation 2062032 (VCV002062032.5), dbSNP rs2493458479, ClinGen allele CA377783130.

ClinVar aggregate classification (germline): Uncertain significance. Review status: criteria provided, multiple submitters, no conflicts (2 of 4 stars). 2 submissions from 2 submitters: Uncertain significance (2). Last evaluated 2024-04-30.

Conditions:
Hyperekplexia 4. Identifiers: MedGen C4693933, MONDO:0044330, OMIM 618011.

Submissions (2):

Fulgent Genetics
Classification: Uncertain significance for Hyperekplexia 4. Last evaluated: 2024-04-30. Review status: criteria provided, single submitter. Criteria: ACMG Guidelines, 2015. Collection method: clinical testing. Allele origin: germline.

Labcorp Genetics (formerly Invitae), Labcorp
Classification: Uncertain significance. Last evaluated: 2022-11-08. Review status: criteria provided, single submitter. Criteria: Invitae Variant Classification Sherloc (09022015). Collection method: clinical testing. Allele origin: germline.
Comment: This sequence change replaces glutamine, which is neutral and polar, with glutamic acid, which is acidic and polar, at codon 54 of the ATAD1 protein (p.Gln54Glu). This variant is not present in population databases (gnomAD no frequency). This variant has not been reported in the literature in individuals affected with ATAD1-related conditions. Algorithms developed to predict the effect of missense changes on protein structure and function are either unavailable or do not agree on the potential impact of this missense change (SIFT: "Not Available"; PolyPhen-2: "Benign"; Align-GVGD: "Not Available"). In summary, the available evidence is currently insufficient to determine the role of this variant in disease. Therefore, it has been classified as a Variant of Uncertain Significance.